The following is an entry in ClinVar:

NM_014727.3(KMT2B):c.1778C>T (p.Pro593Leu)

Gene: KMT2B (lysine methyltransferase 2B; plus strand). Cytogenetic location: 19q13.12.
Variant type: single nucleotide variant.
Coding change: c.1778C>T on transcript NM_014727.3 (MANE Select); coding-DNA position 1778, C replaced by T.
Protein change: p.Pro593Leu; replaces proline 593 with leucine.
Molecular consequence: missense variant.
Genome position (GRCh38, 1-based): chr19:35,721,125, C>T. VCF-style: chr19-35721125-C-T. GRCh37 (hg19) VCF-style: chr19-36212027-C-T.
Other names: short protein forms P593L.
Identifiers: ClinVar variation 3898492 (VCV003898492.7).
Genomic context (GRCh38, chr19:35,721,125, plus strand): 5'-TTCCCCAGGAGCCAGCACCAGTCCCCTCTCCACCACGTGCCCCAACTCCTCCATCTACCC[C>T]AGTTCCACTCCCTGAGAAGAGACGGTCCATCCTAAGGGAACCCACATTTCGCTGGACCTC-3'
Protein context (NP_055542.1, residues 583-603): PPRAPTPPST[Pro593Leu]VPLPEKRRSI

ClinVar aggregate classification (germline): Uncertain significance (1 of 4 stars; one submission).

gnomAD v4.1: 1 of 1,608,728 alleles (0.000062%); highest among the groups gnomAD compares: Middle Eastern, 0.017%; no homozygotes.

Submission:

CeGaT Center for Human Genetics Tuebingen
Classification: Uncertain significance. Last evaluated: 2025-04-01. Review status: criteria provided, single submitter. Criteria: CeGaT Center For Human Genetics Tuebingen Variant Classification Criteria Version 2. Collection method: clinical testing. Allele origin: germline. Affected: yes. Observed: 1 variant allele.
Comment: KMT2B: PM2